The following is an entry in ClinVar:

NM_015922.3(NSDHL):c.94G>T (p.Val32Phe)

Gene: NSDHL (NAD(P) dependent 3-beta-hydroxysteroid dehydrogenase NSDHL; plus strand). Cytogenetic location: Xq28.
Variant type: single nucleotide variant.
Coding change: c.94G>T on transcript NM_015922.3 (MANE Select); coding-DNA position 94, G replaced by T.
Protein change: p.Val32Phe; replaces valine 32 with phenylalanine.
Molecular consequence: missense variant.
Genome position (GRCh38, 1-based): chrX:152,846,418, G>T. VCF-style: chrX-152846418-G-T. GRCh37 (hg19) VCF-style: chrX-152014962-G-T.
Other names: c.94G>T, p.Val32Phe (NM_001129765.2, NM_001441099.1); short protein forms V32F.
Identifiers: ClinVar variation 4882382 (VCV004882382.2).

ClinVar aggregate classification (germline): Uncertain significance (1 of 4 stars; one submission).

Submission:

Dasa
Classification: Uncertain significance. Last evaluated: 2026-01-08. Review status: criteria provided, single submitter. Criteria: DASA Assertion Criteria. Collection method: clinical testing. Allele origin: germline.
Comment: NM_015922.3(NSDHL):c.94G>T (p.Val32Phe) is a missense variant that results in the substitution of valine with phenylalanine. This variant is rare in population databases. The currently available literature and clinical evidence are not sufficient to establish a definitive association between this variant and the reported condition. Therefore, this variant is classified as a variant of uncertain significance.